The following is an entry in ClinVar:

NM_020937.4(FANCM):c.433C>G (p.Pro145Ala)

Gene: FANCM (FA complementation group M; plus strand). Cytogenetic location: 14q21.2.
Variant type: single nucleotide variant.
Coding change: c.433C>G on transcript NM_020937.4 (MANE Select); coding-DNA position 433, C replaced by G.
Protein change: p.Pro145Ala; replaces proline 145 with alanine.
Molecular consequence: missense variant.
Genome position (GRCh38, 1-based): chr14:45,136,464, C>G. VCF-style: chr14-45136464-C-G. GRCh37 (hg19) VCF-style: chr14-45605667-C-G.
Other names: c.433C>G, p.Pro145Ala (NM_001308133.2, NM_001308134.2); short protein forms P145A.
Identifiers: ClinVar variation 4022652 (VCV004022652.1).

ClinVar aggregate classification (germline): Uncertain significance (1 of 4 stars; one submission).

Conditions:
Inborn genetic diseases. Identifiers: MedGen C0950123, MeSH D030342.

gnomAD v4.1: 1 of 1,614,158 alleles (0.000062%); highest among the groups gnomAD compares: Non-Finnish European, 0.000085%; no homozygotes.

Submission:

Ambry Genetics
Classification: Uncertain significance for Inborn genetic diseases. Last evaluated: 2025-04-04. Review status: criteria provided, single submitter. Criteria: Ambry Variant Classification Scheme 2023. Collection method: clinical testing. Allele origin: germline.
Comment: The p.P145A variant (also known as c.433C>G), located in coding exon 1 of the FANCM gene, results from a C to G substitution at nucleotide position 433. The proline at codon 145 is replaced by alanine, an amino acid with highly similar properties. This amino acid position is conserved. In addition, this alteration is predicted to be tolerated by in silico analysis. Based on the available evidence, the clinical significance of this variant remains unclear.